The following is an entry in ClinVar:

NM_006767.4(LZTR1):c.1751A>G (p.Glu584Gly)

Gene: LZTR1 (leucine zipper like post translational regulator 1; plus strand). Cytogenetic location: 22q11.21.
Variant type: single nucleotide variant.
Coding change: c.1751A>G on transcript NM_006767.4 (MANE Select); coding-DNA position 1751, A replaced by G.
Protein change: p.Glu584Gly; replaces glutamic acid 584 with glycine.
Molecular consequence: missense variant.
Genome position (GRCh38, 1-based): chr22:20,994,693, A>G. VCF-style: chr22-20994693-A-G. GRCh37 (hg19) VCF-style: chr22-21348982-A-G.
Other names: c.1751A>G (NM_006767.3); short protein forms E584G.
Identifiers: ClinVar variation 1965671 (VCV001965671.6), dbSNP rs2518621986, ClinGen allele CA410778219.
Genomic context (GRCh38, chr22:20,994,693, plus strand): 5'-AGCTGTGCCGCCAGTACATCGAGGCCTCCGTGGACCTGCAGAACGTGCTGGTTGTGTGCG[A>G]GAGTGCCGCCCGGCTGCAGCTGAGCCAACTCAAGGTGTGGGGTGGGGTCAGCGCAATCAG-3'
Protein context (NP_006758.2, residues 574-594): VDLQNVLVVC[Glu584Gly]SAARLQLSQL

ClinVar aggregate classification (germline): Uncertain significance. Review status: criteria provided, multiple submitters, no conflicts (2 of 4 stars). 2 submissions from 2 submitters: Uncertain significance (2). Last evaluated 2025-02-06.

Conditions:
Hereditary cancer-predisposing syndrome. Also called: Tumor predisposition; Hereditary Cancer Syndrome; Hereditary neoplastic syndrome; Neoplastic Syndromes, Hereditary. Identifiers: Orphanet 140162, MedGen C0027672, MeSH D009386, MONDO:0015356.
Cardiovascular phenotype. Identifiers: MedGen CN230736.

Allele frequency attached by ClinVar (database versions not stated): gnomAD exomes below 0.00001.
gnomAD v4.1: 1 of 1,612,626 alleles (0.000062%); highest among the groups gnomAD compares: Non-Finnish European, 0.000085%; no homozygotes.

Submissions (2):

Labcorp Genetics (formerly Invitae), Labcorp
Classification: Uncertain significance. Last evaluated: 2025-02-06. Review status: criteria provided, single submitter. Criteria: Invitae Variant Classification Sherloc (09022015). Collection method: clinical testing. Allele origin: germline.
Comment: This sequence change replaces glutamic acid, which is acidic and polar, with glycine, which is neutral and non-polar, at codon 584 of the LZTR1 protein (p.Glu584Gly). This variant is not present in population databases (gnomAD no frequency). This variant has not been reported in the literature in individuals affected with LZTR1-related conditions. ClinVar contains an entry for this variant (Variation ID: 1965671). Invitae Evidence Modeling of protein sequence and biophysical properties (such as structural, functional, and spatial information, amino acid conservation, physicochemical variation, residue mobility, and thermodynamic stability) indicates that this missense variant is not expected to disrupt LZTR1 protein function with a negative predictive value of 80%. In summary, the available evidence is currently insufficient to determine the role of this variant in disease. Therefore, it has been classified as a Variant of Uncertain Significance.

Ambry Genetics
Classification: Uncertain significance for Cardiovascular phenotype; Hereditary cancer-predisposing syndrome. Last evaluated: 2023-11-03. Review status: criteria provided, single submitter. Criteria: Ambry Variant Classification Scheme 2023. Collection method: clinical testing. Allele origin: germline.
Comment: The p.E584G variant (also known as c.1751A>G), located in coding exon 15 of the LZTR1 gene, results from an A to G substitution at nucleotide position 1751. The glutamic acid at codon 584 is replaced by glycine, an amino acid with similar properties. This amino acid position is conserved. In addition, this alteration is predicted to be deleterious by in silico analysis. Since supporting evidence is limited at this time, the clinical significance of this alteration remains unclear.